The following is an entry in ClinVar:

ClinVar aggregate classification (germline): Uncertain significance. Review status: criteria provided, single submitter (1 of 4 stars). 2 submissions from 2 submitters: Uncertain significance (1). 1 of the submissions does not count toward it. Last evaluated 2022-10-17.

Conditions:
Autosomal recessive nonsyndromic hearing loss 77. Identifiers: Orphanet 90636, MedGen C2746083, MONDO:0013119, OMIM 613079.

Submissions (2):

Labcorp Genetics (formerly Invitae), Labcorp
Classification: Uncertain significance. Last evaluated: 2022-10-17. Review status: criteria provided, single submitter. Criteria: Invitae Variant Classification Sherloc (09022015). Collection method: clinical testing. Allele origin: germline.
Comment: This sequence change replaces lysine, which is basic and polar, with asparagine, which is neutral and polar, at codon 2068 of the LOXHD1 protein (p.Lys2068Asn). This variant is not present in population databases (gnomAD no frequency). This variant has not been reported in the literature in individuals affected with LOXHD1-related conditions. ClinVar contains an entry for this variant (Variation ID: 1428724). Algorithms developed to predict the effect of missense changes on protein structure and function are either unavailable or do not agree on the potential impact of this missense change (SIFT: "Tolerated"; PolyPhen-2: "Possibly Damaging"; Align-GVGD: "Class C0"). In summary, the available evidence is currently insufficient to determine the role of this variant in disease. Therefore, it has been classified as a Variant of Uncertain Significance.

Natera, Inc.
Classification: Uncertain significance for Autosomal recessive deafness type 77. Last evaluated: 2025-05-23. Review status: no assertion criteria provided. Collection method: clinical testing. Allele origin: germline. Not counted in ClinVar's aggregate classification.

NM_001384474.1(LOXHD1):c.6390G>T (p.Lys2130Asn)

Gene: LOXHD1 (lipoxygenase homology PLAT domains 1; minus strand). Cytogenetic location: 18q21.1.
Variant type: single nucleotide variant.
Coding change: c.6390G>T on transcript NM_001384474.1 (MANE Select); coding-DNA position 6390, G replaced by T.
Protein change: p.Lys2130Asn; replaces lysine 2130 with asparagine.
Molecular consequence: missense variant.
Genome position (GRCh38, 1-based): chr18:46,477,904, C>A on the plus strand (G>T on the coding strand, the complement: LOXHD1 is on the minus strand). VCF-style: chr18-46477904-C-A. GRCh37 (hg19) VCF-style: chr18-44057867-C-A.
Other names: c.6204G>T (NM_144612.6); c.3057G>T, p.Lys1019Asn (NM_001145472.3); c.1107G>T, p.Lys369Asn (NM_001145473.3, NM_001173129.2); c.2769G>T, p.Lys923Asn (NM_001308013.2); c.6204G>T, p.Lys2068Asn (NM_144612.7); short protein forms K1019N, K2130N, K2068N, K369N, K923N.
Identifiers: ClinVar variation 1428724 (VCV001428724.6), dbSNP rs2143428813, ClinGen allele CA402363038.